The following is an entry in ClinVar:

NM_001042492.3(NF1):c.1185+1G>C

Gene: NF1 (neurofibromin 1; plus strand). Cytogenetic location: 17q11.2.
Variant type: single nucleotide variant.
Coding change: c.1185+1G>C on transcript NM_001042492.3 (MANE Select); the canonical splice donor site of the intron after coding-DNA position 1185, G replaced by C.
Molecular consequence: splice donor variant.
Genome position (GRCh38, 1-based): chr17:31,201,160, G>C. VCF-style: chr17-31201160-G-C. GRCh37 (hg19) VCF-style: chr17-29528178-G-C.
Other names: c.1185+1G>C (NM_000267.4, NM_001128147.3).
Identifiers: ClinVar variation 2736508 (VCV002736508.3), dbSNP rs864622161, ClinGen allele CA398997361.

ClinVar aggregate classification (germline): Pathogenic (1 of 4 stars; one submission).

Conditions:
Neurofibromatosis, type 1 (NF1). Also called: Neurofibromatosis, type I; Peripheral type neurofibromatosis; VON RECKLINGHAUSEN DISEASE; NEUROFIBROMATOSIS, TYPE I, SOMATIC. Identifiers: Orphanet 636, MedGen C0027831, MONDO:0018975, OMIM 162200. Disease mechanism: loss of function.

Submission:

Labcorp Genetics (formerly Invitae), Labcorp
Classification: Pathogenic for Neurofibromatosis, type 1. Last evaluated: 2023-06-30. Review status: criteria provided, single submitter. Criteria: Invitae Variant Classification Sherloc (09022015). Collection method: clinical testing. Allele origin: germline.
Comment: For these reasons, this variant has been classified as Pathogenic. Studies have shown that disruption of this splice site results in skipping of exon 10 (legacy exon 8), but is expected to preserve the integrity of the reading-frame (PMID: 8957181, 10607834). Disruption of this splice site has been observed in individual(s) with neurofibromatosis type I (PMID: 8957181, 10607834, 17726231). In at least one individual the variant was observed to be de novo. This variant is not present in population databases (gnomAD no frequency). This sequence change affects a donor splice site in intron 10 of the NF1 gene. RNA analysis indicates that disruption of this splice site induces altered splicing and likely results in a shortened protein product.

Literature cited by the submitters: PubMed 8957181; PubMed 10607834; PubMed 17726231.